The following is an entry in ClinVar:

ClinVar aggregate classification (germline): Uncertain significance (1 of 4 stars; one submission).

Conditions:
Brain malformations with or without urinary tract defects. Also called: Brain malformations and urinary tract defects. Identifiers: MedGen C4478940, MONDO:0100478, OMIM 613735.

Submission:

3billion
Classification: Uncertain significance for Brain malformations with or without urinary tract defects. Last evaluated: 2025-12-08. Review status: criteria provided, single submitter. Criteria: ACMG Guidelines, 2015. Collection method: clinical testing. Allele origin: germline. Affected: yes.
Comment: The variant is not observed in the gnomAD v4.1.0 dataset. Predicted Consequence/Location: Missense variant In silico tool predictions suggest damaging effect of the variant on gene or gene product [REVEL: 0.80 (>=0.6, sensitivity 0.68 and specificity 0.92)]. Therefore, this variant is classified as VUS according to the recommendation of ACMG/AMP guideline.

NM_001134673.4(NFIA):c.284T>C (p.Val95Ala)

Gene: NFIA (nuclear factor I A; plus strand). Cytogenetic location: 1p31.3.
Variant type: single nucleotide variant.
Coding change: c.284T>C on transcript NM_001134673.4 (MANE Select); coding-DNA position 284, T replaced by C.
Protein change: p.Val95Ala; replaces valine 95 with alanine.
Molecular consequence: missense variant.
Genome position (GRCh38, 1-based): chr1:61,088,405, T>C. VCF-style: chr1-61088405-T-C. GRCh37 (hg19) VCF-style: chr1-61554077-T-C.
Other names: c.260T>C, p.Val87Ala (NM_001145511.2); c.419T>C, p.Val140Ala (NM_001145512.2); c.284T>C, p.Val95Ala (NM_005595.5); short protein forms V140A, V87A, V95A.
Identifiers: ClinVar variation 4854363 (VCV004854363.1).